The following is an entry in ClinVar:

NM_001365536.1(SCN9A):c.2354G>T (p.Gly785Val)

Genes: SCN9A (sodium voltage-gated channel alpha subunit 9; minus strand), SCN1A-AS1 (SCN1A and SCN9A antisense RNA 1; plus strand). Cytogenetic location: 2q24.3.
Variant type: single nucleotide variant.
Coding change: c.2354G>T on transcript NM_001365536.1 (MANE Select); coding-DNA position 2354, G replaced by T.
Protein change: p.Gly785Val; replaces glycine 785 with valine.
Molecular consequence: missense variant.
Genome position (GRCh38, 1-based): chr2:166,278,303, C>A on the plus strand (G>T on the coding strand, the complement: SCN9A is on the minus strand). VCF-style: chr2-166278303-C-A. GRCh37 (hg19) VCF-style: chr2-167134813-C-A.
Other names: c.2321G>T, p.Gly774Val (NM_002977.4); short protein forms G774V, G785V.
Identifiers: ClinVar variation 1450266 (VCV001450266.9), dbSNP rs767975150, ClinGen allele CA1944282.

ClinVar aggregate classification (germline): Uncertain significance (1 of 4 stars; one submission).

Conditions:
Generalized epilepsy with febrile seizures plus, type 7 (GEFSP7). Also called: GEFS+, TYPE 7. Identifiers: Orphanet 36387, MedGen C2751778, MONDO:0013470, OMIM 613863.
Neuropathy, hereditary sensory and autonomic, type 2A (HSAN2A). Also called: ACROOSTEOLYSIS, NEUROGENIC; ACROOSTEOLYSIS, GIACCAI TYPE; MORVAN DISEASE; WNK1-Related HSAN2 (HSAN2A); NEUROPATHY, CONGENITAL SENSORY; NEUROPATHY, HEREDITARY SENSORY RADICULAR, AUTOSOMAL RECESSIVE. Identifiers: Orphanet 970, MedGen C2752089, MONDO:0024309, OMIM 201300.

Allele frequency attached by ClinVar (database versions not stated): TOPMed below 0.00001; gnomAD 0.00001; gnomAD exomes 0.00001 and 0.00002; ExAC 0.00005.
gnomAD v4.1: 16 of 1,596,858 alleles (0.001%); highest among the groups gnomAD compares: Middle Eastern, 0.017%; no homozygotes.

Submissions (2):

Labcorp Genetics (formerly Invitae), Labcorp
Classification: Uncertain significance for Neuropathy, hereditary sensory and autonomic, type 2A; Generalized epilepsy with febrile seizures plus, type 7. Last evaluated: 2025-02-12. Review status: criteria provided, single submitter. Criteria: Invitae Variant Classification Sherloc (09022015). Collection method: clinical testing. Allele origin: germline.
Comment: This sequence change replaces glycine, which is neutral and non-polar, with valine, which is neutral and non-polar, at codon 774 of the SCN9A protein (p.Gly774Val). The frequency data for this variant in the population databases is considered unreliable, as metrics indicate poor data quality at this position in the gnomAD database. This variant has not been reported in the literature in individuals affected with SCN9A-related conditions. ClinVar contains an entry for this variant (Variation ID: 1450266). Invitae Evidence Modeling of protein sequence and biophysical properties (such as structural, functional, and spatial information, amino acid conservation, physicochemical variation, residue mobility, and thermodynamic stability) indicates that this missense variant is not expected to disrupt SCN9A protein function with a negative predictive value of 95%. In summary, the available evidence is currently insufficient to determine the role of this variant in disease. Therefore, it has been classified as a Variant of Uncertain Significance.

Dr. Peter K. Rogan Lab, Western University
No classification provided (evidence only). Condition: Lung cancer. Review status: no classification provided. Collection method: in vitro. Allele origin: not applicable. Functional consequence: retained intron. Not counted in ClinVar's aggregate classification.